The following is an entry in ClinVar:

NM_001161352.2(KCNMA1):c.3131A>G (p.Asp1044Gly)

Genes: KCNMA1 (potassium calcium-activated channel subfamily M alpha 1; minus strand), KCNMA1-AS1 (KCNMA1 antisense RNA 1; plus strand). Cytogenetic location: 10q22.3.
Variant type: single nucleotide variant.
Coding change: c.3131A>G on transcript NM_001161352.2 (MANE Select); coding-DNA position 3131, A replaced by G.
Protein change: p.Asp1044Gly; replaces aspartic acid 1044 with glycine.
Molecular consequence: missense variant.
Genome position (GRCh38, 1-based): chr10:76,909,982, T>C on the plus strand (A>G on the coding strand, the complement: KCNMA1 is on the minus strand). VCF-style: chr10-76909982-T-C. GRCh37 (hg19) VCF-style: chr10-78669740-T-C.
Other names: c.2969A>G, p.Asp990Gly (NM_001014797.3); c.3080A>G, p.Asp1027Gly (NM_001161353.2); c.2807A>G, p.Asp936Gly (NM_001271518.2); c.3047A>G, p.Asp1016Gly (NM_001271519.2); c.2966A>G, p.Asp989Gly (NM_001322829.2, NM_001322836.2); c.3059A>G, p.Asp1020Gly (NM_001322830.2); c.2957A>G, p.Asp986Gly (NM_001322832.2, NM_002247.4); c.3050A>G, p.Asp1017Gly (NM_001322835.2, NM_001322837.2); and 1 more; short protein forms D1016G, D1017G, D1020G, D1027G, D1044G, D835G, D936G, D986G.
Identifiers: ClinVar variation 1310213 (VCV001310213.2), dbSNP rs2152363858, ClinGen allele CA377403741.

ClinVar aggregate classification (germline): Uncertain significance (1 of 4 stars; one submission).

Submission:

GeneDx
Classification: Uncertain significance. Last evaluated: 2019-11-07. Review status: criteria provided, single submitter. Criteria: GeneDx Variant Classification Process June 2021. Collection method: clinical testing. Allele origin: germline. Affected: yes.
Comment: Not observed in large population cohorts (Lek et al., 2016); In silico analysis, which includes protein predictors and evolutionary conservation, supports a deleterious effect; Has not been previously published as pathogenic or benign to our knowledge